The following is an entry in ClinVar:

ClinVar aggregate classification (germline): Likely pathogenic (1 of 4 stars; one submission).

Conditions:
Inborn genetic diseases. Identifiers: MedGen C0950123, MeSH D030342.

Submission:

Ambry Genetics
Classification: Likely pathogenic for Inborn genetic diseases. Last evaluated: 2019-09-04. Review status: criteria provided, single submitter. Criteria: Ambry Variant Classification Scheme 2023. Collection method: clinical testing. Allele origin: germline.
Comment: The p.V1456L variant (also known as c.4366G>C), located in coding exon 27 of the CACNA1A gene, results from a G to C substitution at nucleotide position 4366. The valine at codon 1456 is replaced by leucine, an amino acid with highly similar properties. This variant (reported as V1457L) was detected in 8 affected individuals form one familial hemiplegic migraine family and was absent in 4 unaffected family members (Carrera P et al. Neurology, 1999 Jul;53:26-33). This amino acid position is highly conserved in available vertebrate species. In addition, this alteration is predicted to be deleterious by in silico analysis. Based on the majority of available evidence to date, this variant is likely to be pathogenic.

Literature cited by the submitters: PubMed 10408532; PubMed 10734061.

NM_001127222.2(CACNA1A):c.4363G>C (p.Val1455Leu)

Gene: CACNA1A (calcium voltage-gated channel subunit alpha1 A; minus strand). Cytogenetic location: 19p13.13.
Variant type: single nucleotide variant.
Coding change: c.4363G>C on transcript NM_001127222.2 (MANE Select); coding-DNA position 4363, G replaced by C.
Protein change: p.Val1455Leu; replaces valine 1455 with leucine.
Molecular consequence: missense variant.
Genome position (GRCh38, 1-based): chr19:13,259,589, C>G on the plus strand (G>C on the coding strand, the complement: CACNA1A is on the minus strand). VCF-style: chr19-13259589-C-G. GRCh37 (hg19) VCF-style: chr19-13370403-C-G.
Other names: c.4375G>C, p.Val1459Leu (NM_000068.4, NM_023035.3); c.4366G>C, p.Val1456Leu (NM_001127221.2, NM_001174080.2); short protein forms V1459L, V1455L, V1456L.
Identifiers: ClinVar variation 1740050 (VCV001740050.2), dbSNP rs121908237, ClinGen allele CA404339249.